The following is an entry in ClinVar:

NM_001036.6(RYR3):c.3127A>C (p.Thr1043Pro)

Gene: RYR3 (ryanodine receptor 3; plus strand). Cytogenetic location: 15q14.
Variant type: single nucleotide variant.
Coding change: c.3127A>C on transcript NM_001036.6 (MANE Select); coding-DNA position 3127, A replaced by C.
Protein change: p.Thr1043Pro; replaces threonine 1043 with proline.
Molecular consequence: missense variant.
Genome position (GRCh38, 1-based): chr15:33,634,685, A>C. VCF-style: chr15-33634685-A-C. GRCh37 (hg19) VCF-style: chr15-33926886-A-C.
Other names: c.3127A>C, p.Thr1043Pro (NM_001243996.4); short protein forms T1043P.
Identifiers: ClinVar variation 1037570 (VCV001037570.8), dbSNP rs747990987, ClinGen allele CA391573910.

ClinVar aggregate classification (germline): Uncertain significance (1 of 4 stars; one submission).

Conditions:
Epileptic encephalopathy. Identifiers: MedGen C0543888, HP:0200134.

Allele frequency attached by ClinVar (database versions not stated): TOPMed 0.00001.
gnomAD v4.1: 8 of 1,613,880 alleles (0.0005%); highest among the groups gnomAD compares: African/African-American, 0.0013%; no homozygotes.

Submission:

Labcorp Genetics (formerly Invitae), Labcorp
Classification: Uncertain significance for Epileptic encephalopathy. Last evaluated: 2020-08-12. Review status: criteria provided, single submitter. Criteria: Invitae Variant Classification Sherloc (09022015). Collection method: clinical testing. Allele origin: germline.
Comment: This sequence change replaces threonine with proline at codon 1043 of the RYR3 protein (p.Thr1043Pro). The threonine residue is highly conserved and there is a small physicochemical difference between threonine and proline. This variant is not present in population databases (ExAC no frequency). This variant has not been reported in the literature in individuals with RYR3-related conditions. Algorithms developed to predict the effect of missense changes on protein structure and function are either unavailable or do not agree on the potential impact of this missense change (SIFT: "Deleterious"; PolyPhen-2: "Probably Damaging"; Align-GVGD: "Class C0"). In summary, the available evidence is currently insufficient to determine the role of this variant in disease. Therefore, it has been classified as a Variant of Uncertain Significance.